The following is an entry in ClinVar:

NM_001330078.2(NRXN1):c.1955A>G (p.Gln652Arg)

Gene: NRXN1 (neurexin 1; minus strand). Cytogenetic location: 2p16.3.
Variant type: single nucleotide variant.
Coding change: c.1955A>G on transcript NM_001330078.2 (MANE Select); coding-DNA position 1955, A replaced by G.
Protein change: p.Gln652Arg; replaces glutamine 652 with arginine.
Molecular consequence: missense variant.
Genome position (GRCh38, 1-based): chr2:50,538,441, T>C on the plus strand (A>G on the coding strand, the complement: NRXN1 is on the minus strand). VCF-style: chr2-50538441-T-C. GRCh37 (hg19) VCF-style: chr2-50765579-T-C.
Other names: c.2075A>G (NM_001135659.2); c.2075A>G, p.Gln692Arg (NM_001135659.3); c.1931A>G, p.Gln644Arg (NM_001330077.2, NM_001330082.2, NM_001330095.2); c.1916A>G, p.Gln639Arg (NM_001330083.2, NM_001330084.2); c.1955A>G, p.Gln652Arg (NM_001330085.2, NM_001330086.2, NM_004801.6); c.1871A>G, p.Gln624Arg (NM_001330087.2, NM_001330096.2); c.1901A>G, p.Gln634Arg (NM_001330088.2); c.1952A>G, p.Gln651Arg (NM_001330093.2); and 1 more; short protein forms Q624R, Q639R, Q651R, Q652R, Q644R, Q634R, Q648R, Q692R.
Identifiers: ClinVar variation 945127 (VCV000945127.10), dbSNP rs1470579817, ClinGen allele CA346770849.

ClinVar aggregate classification (germline): Uncertain significance. Review status: criteria provided, multiple submitters, no conflicts (2 of 4 stars). 2 submissions from 2 submitters: Uncertain significance (2). Last evaluated 2026-05-28.

Conditions:
NRXN1-related disorder.
Pitt-Hopkins-like syndrome 2 (PTHSL2). Identifiers: Orphanet 221150, Orphanet 600663, MedGen C3280479, MONDO:0013690, OMIM 614325.

Allele frequency attached by ClinVar (database versions not stated): gnomAD exomes below 0.00001.
gnomAD v4.1: 3 of 1,613,994 alleles (0.00019%); highest among the groups gnomAD compares: Non-Finnish European, 0.00025%; no homozygotes.

Submissions (2):

PreventionGenetics, part of Exact Sciences
Classification: Uncertain significance for NRXN1-related condition. Last evaluated: 2026-05-28. Review status: criteria provided, single submitter. Criteria: ACMG Guidelines, 2015. Collection method: clinical testing. Allele origin: germline.
Comment: The NRXN1 c.2075A>G variant is predicted to result in the amino acid substitution p.Gln692Arg. To our knowledge, this variant has not been reported in the literature. This variant is reported in 0.0065% of alleles in individuals of European (Non-Finnish) descent in gnomAD. At this time, the clinical significance of this variant is uncertain due to the absence of conclusive functional and genetic evidence.

Labcorp Genetics (formerly Invitae), Labcorp
Classification: Uncertain significance for Pitt-Hopkins-like syndrome 2. Last evaluated: 2025-05-11. Review status: criteria provided, single submitter. Criteria: Invitae Variant Classification Sherloc (09022015). Collection method: clinical testing. Allele origin: germline.
Comment: This sequence change replaces glutamine, which is neutral and polar, with arginine, which is basic and polar, at codon 692 of the NRXN1 protein (p.Gln692Arg). This variant is present in population databases (no rsID available, gnomAD 0.007%). This variant has not been reported in the literature in individuals affected with NRXN1-related conditions. ClinVar contains an entry for this variant (Variation ID: 945127). An algorithm developed to predict the effect of missense changes on protein structure and function (PolyPhen-2) suggests that this variant is likely to be tolerated. In summary, the available evidence is currently insufficient to determine the role of this variant in disease. Therefore, it has been classified as a Variant of Uncertain Significance.